The following is an entry in ClinVar:

NM_000517.6(HBA2):c.69del (p.Glu24fs)

Genes: HBA2 (hemoglobin subunit alpha 2; plus strand), LOC106804612 (hemoglobin subunit alpha 2 recombination region; plus strand). Cytogenetic location: 16p13.3.
Variant type: Deletion.
Coding change: c.69del on transcript NM_000517.6 (MANE Select); coding-DNA position 69, one base deleted (C; older notation c.69delC).
Protein change: p.Glu24fs; shifts the reading frame from glutamic acid 24.
Molecular consequence: frameshift variant.
Genome position (GRCh38, 1-based): chr16:172,981, C deleted. VCF-style (leftmost placement, unchanged base first): chr16-172980-GC-G. GRCh37 (hg19) VCF-style: chr16-222979-GC-G.
Other names: c.69delC (NM_000517.5); short protein forms E24fs.
Identifiers: ClinVar variation 439123 (VCV000439123.19), dbSNP rs1270810159, ClinGen allele CA620304238.

ClinVar aggregate classification (germline): Pathogenic/Likely pathogenic. Review status: criteria provided, multiple submitters, no conflicts (2 of 4 stars). 6 submissions from 6 submitters: Pathogenic (4); Likely pathogenic (2). Last evaluated 2026-06-12.

Conditions:
HBA2-related disorder. Also called: HBA2-related condition.
Erythrocytosis, familial, 7. Also called: ERYTHROCYTOSIS, ALPHA-GLOBIN TYPE; POLYCYTHEMIA, ALPHA-GLOBIN TYPE; ERYTHROCYTOSIS 7. Identifiers: MedGen C4693823, MONDO:0054802, OMIM 617981.
Heinz body anemia. Also called: Heinz body hemolytic anemia. Identifiers: Orphanet 178330, MedGen C0700299, MONDO:0007705, OMIM 140700, HP:0005511.
Hemoglobin H disease (HBH). Also called: ALPHA-THALASSEMIA, HEMOGLOBIN H TYPE; HEMOGLOBIN H DISEASE, DELETIONAL; Hemoglobin H (HbH) Disease. Identifiers: Orphanet 93616, MedGen C3161174, MONDO:0013512, OMIM 613978. Disease mechanism: loss of function.
alpha Thalassemia. Also called: Alpha thalassemia spectrum. Identifiers: Orphanet 846, MedGen C0002312, MONDO:0011399, OMIM 604131.

Allele frequency attached by ClinVar (database versions not stated): gnomAD exomes 0.00001 and 0.00006.

Submissions (6):

GeneDx
Classification: Likely pathogenic. Last evaluated: 2026-06-12. Review status: criteria provided, single submitter. Criteria: GeneDx Variant Classification Process June 2021. Collection method: clinical testing. Allele origin: germline.
Comment: Frameshift variant predicted to result in protein truncation or nonsense mediated decay in a gene for which loss of function is a known mechanism of disease; Not observed at significant frequency in large population cohorts (gnomAD); Also known as CD22(-C); This variant is associated with the following publications: (PMID: 20507641, 16512835, 31025160, 17486494)

PreventionGenetics, part of Exact Sciences
Classification: Pathogenic for HBA2-related condition. Last evaluated: 2025-12-22. Review status: criteria provided, single submitter. Criteria: ACMG Guidelines, 2015. Collection method: clinical testing. Allele origin: germline.
Comment: The HBA2 c.69delC variant is predicted to result in a frameshift and premature protein termination (p.Gly23Glyfs*27). This variant has previously been reported in two unrelated patients with microcytic anemia and results in mRNA degradation (Luo et al. 2007. PubMed ID: 17486494; Pereira et al 2006. PubMed ID: 16512835). Other loss of function variants in exon 1 of HBA2 have also been reported to be pathogenic (Harteveld CL et al 2010. PubMed ID: 20507641). This variant is reported in 0.041% of alleles in individuals of African descent in gnomAD. This variant is interpreted as pathogenic.

Natera, Inc.
Classification: Likely pathogenic for Alpha thalassemia. Last evaluated: 2025-11-04. Review status: criteria provided, single submitter. Criteria: Natera Variant Classification Schema (03/2026). Collection method: clinical testing. Allele origin: germline.
Comment: The c.69delC variant in HBA2 is a frameshift variant predicted to shift the reading frame beginning at codon 24 and leads to a stop codon 26 codons downstream. This variant is expected to result in nonsense mediated decay, truncation, or a dysfunctional protein product. This variant is rare in the general population with a frequency below the threshold expected for the associated phenotype(s). Given the available evidence, this variant is classified as Likely Pathogenic.

Quest Diagnostics Nichols Institute San Juan Capistrano
Classification: Pathogenic. Last evaluated: 2025-02-10. Review status: criteria provided, single submitter. Criteria: Quest Diagnostics criteria. Collection method: clinical testing. Allele origin: unknown.
Comment: The HBA2 c.69del (p.Glu24Serfs*26) variant alters the translational reading frame of the HBA2 mRNA and causes the premature termination of HBA2 protein synthesis. This variant has been reported in the published literature in heterozygous individuals affected with mild hypochromic and microcytic anemia (PMIDs: 16512835 (2006), 17486494 (2007)). Experimental studies indicated this variant does not affect HBA2 RNA splicing, but the mRNA transcript is subject to nonsense-mediated decay (PMID: 16512835 (2006)). Based on the available information, this variant is classified as pathogenic.

Fulgent Genetics
Classification: Pathogenic for Heinz body anemia; alpha Thalassemia; Hemoglobin H disease; Erythrocytosis, familial, 7. Last evaluated: 2024-04-01. Review status: criteria provided, single submitter. Criteria: ACMG Guidelines, 2015. Collection method: clinical testing. Allele origin: germline.

ARUP Laboratories, Molecular Genetics and Genomics, ARUP Laboratories
Classification: Pathogenic. Last evaluated: 2022-08-23. Review status: criteria provided, single submitter. Criteria: ARUP Molecular Germline Variant Investigation Process 2021. Collection method: clinical testing. Allele origin: germline.
Comment: The HBA2 c.69delC; p.Glu24SerfsTer26 variant (rs1270810159), also known as codon 22 (-C), is reported in the literature in the heterozygous state in individuals with microcytic and hypochromic anemia (Luo 2007, Pereira 2006). This variant is also reported in ClinVar (Variation ID: 439123). This variant is found in the general population with an overall allele frequency of 0.006% (3/53510 alleles) in the Genome Aggregation Database. This variant causes a frameshift by deleting a single nucleotide, and has been shown to result in a truncated mRNA subject to nonsense-mediated decay (Pereira 2006). Based on available information, this variant is considered to be pathogenic. References: Luo HY et al. Two new alpha-thalassemia frameshift mutations. Hemoglobin. 2007;31(2):135-9. PMID: 17486494. Pereira FJ et al. Human alpha2-globin nonsense-mediated mRNA decay induced by a novel alpha-thalassaemia frameshift mutation at codon 22. Br J Haematol. 2006 Apr;133(1):98-102. PMID: 16512835.

Literature cited by the submitters: PubMed 31025160 (cited by Quest Diagnostics Nichols Institute San Juan Capistrano); PubMed 16512835 (cited by Quest Diagnostics Nichols Institute San Juan Capistrano); PubMed 17486494 (cited by Quest Diagnostics Nichols Institute San Juan Capistrano); PubMed 20507641 (cited by Quest Diagnostics Nichols Institute San Juan Capistrano).